The following is an entry in ClinVar:

ClinVar aggregate classification (germline): Uncertain significance (1 of 4 stars; one submission).

Submission:

GeneDx
Classification: Uncertain significance. Last evaluated: 2019-11-20. Review status: criteria provided, single submitter. Criteria: GeneDx Variant Classification Process June 2021. Collection method: clinical testing. Allele origin: germline. Affected: yes.
Comment: Not observed in large population cohorts (Lek et al., 2016); In silico analysis, which includes protein predictors and evolutionary conservation, supports that this variant does not alter protein structure/function; In-silico analysis, which includes splice predictors and evolutionary conservation, is inconclusive as to whether the variant alters gene splicing. In the absence of RNA/functional studies, the actual effect of this sequence change is unknown.; Has not been previously published as pathogenic or benign to our knowledge

NM_031407.7(HUWE1):c.8237C>T (p.Thr2746Ile)

Gene: HUWE1 (HECT, UBA and WWE domain containing E3 ubiquitin protein ligase 1; minus strand). Cytogenetic location: Xp11.22.
Variant type: single nucleotide variant.
Coding change: c.8237C>T on transcript NM_031407.7 (MANE Select); coding-DNA position 8237, C replaced by T.
Protein change: p.Thr2746Ile; replaces threonine 2746 with isoleucine.
Molecular consequence: missense variant.
Genome position (GRCh38, 1-based): chrX:53,554,890, G>A on the plus strand (C>T on the coding strand, the complement: HUWE1 is on the minus strand). VCF-style: chrX-53554890-G-A. GRCh37 (hg19) VCF-style: chrX-53581851-G-A.
Other names: short protein forms T2746I.
Identifiers: ClinVar variation 1310031 (VCV001310031.2), dbSNP rs2061927403, ClinGen allele CA413150262.
Genomic context (GRCh38, chrX:53,554,890, plus strand): 5'-TGCAGAGTGCCAAGGGTCTCCTTGGACTCAGATGTAGCTGCATCAGTTGAAGATGGGGTT[G>A]TTGGGTAGCTGTCAGGCATAGGCGTCCCATCTTTCTCGGAAAGAACAATAATAGTGGTTA-3'
Protein context (NP_113584.3, residues 2736-2756): DGTPMPDSYP[Thr2746Ile]TPSSTDAATS